The following is an entry in ClinVar:

NM_015338.6(ASXL1):c.351C>G (p.Ser117Arg)

Gene: ASXL1 (ASXL transcriptional regulator 1; plus strand). Cytogenetic location: 20q11.21.
Variant type: single nucleotide variant.
Coding change: c.351C>G on transcript NM_015338.6 (MANE Select); coding-DNA position 351, C replaced by G.
Protein change: p.Ser117Arg; replaces serine 117 with arginine.
Molecular consequence: missense variant.
Genome position (GRCh38, 1-based): chr20:32,428,226, C>G. VCF-style: chr20-32428226-C-G. GRCh37 (hg19) VCF-style: chr20-31016029-C-G.
Other names: c.321C>G, p.Ser107Arg (NM_001363734.1); short protein forms S107R, S117R.
Identifiers: ClinVar variation 3955312 (VCV003955312.1).

ClinVar aggregate classification (germline): Uncertain significance (1 of 4 stars; one submission).

Conditions:
Inborn genetic diseases. Identifiers: MedGen C0950123, MeSH D030342.

Submission:

Ambry Genetics
Classification: Uncertain significance for Inborn genetic diseases. Last evaluated: 2025-03-27. Review status: criteria provided, single submitter. Criteria: Ambry Variant Classification Scheme 2023. Collection method: clinical testing. Allele origin: germline.
Comment: The p.S117R variant (also known as c.351C>G), located in coding exon 5 of the ASXL1 gene, results from a C to G substitution at nucleotide position 351. The serine at codon 117 is replaced by arginine, an amino acid with dissimilar properties. This amino acid position is conserved. In addition, this alteration is predicted to be tolerated by in silico analysis. Based on the available evidence, the clinical significance of this variant remains unclear.